The following is an entry in ClinVar:

ClinVar aggregate classification (germline): Uncertain significance (1 of 4 stars; one submission).

Submission:

Labcorp Genetics (formerly Invitae), Labcorp
Classification: Uncertain significance. Last evaluated: 2022-08-17. Review status: criteria provided, single submitter. Criteria: Invitae Variant Classification Sherloc (09022015). Collection method: clinical testing. Allele origin: germline.
Comment: In summary, the available evidence is currently insufficient to determine the role of this variant in disease. Therefore, it has been classified as a Variant of Uncertain Significance. Algorithms developed to predict the effect of missense changes on protein structure and function (SIFT, PolyPhen-2, Align-GVGD) all suggest that this variant is likely to be tolerated. This variant has not been reported in the literature in individuals affected with HPS5-related conditions. This variant is not present in population databases (gnomAD no frequency). This sequence change replaces leucine, which is neutral and non-polar, with phenylalanine, which is neutral and non-polar, at codon 747 of the HPS5 protein (p.Leu747Phe).

NM_181507.2(HPS5):c.2241G>C (p.Leu747Phe)

Gene: HPS5 (HPS5 biogenesis of lysosomal organelles complex 2 subunit 2; minus strand). Cytogenetic location: 11p15.1.
Variant type: single nucleotide variant.
Coding change: c.2241G>C on transcript NM_181507.2 (MANE Select); coding-DNA position 2241, G replaced by C.
Protein change: p.Leu747Phe; replaces leucine 747 with phenylalanine.
Molecular consequence: missense variant.
Genome position (GRCh38, 1-based): chr11:18,291,641, C>G on the plus strand (G>C on the coding strand, the complement: HPS5 is on the minus strand). VCF-style: chr11-18291641-C-G. GRCh37 (hg19) VCF-style: chr11-18313188-C-G.
Other names: c.1899G>C, p.Leu633Phe (NM_007216.4, NM_181508.2); short protein forms L633F, L747F.
Identifiers: ClinVar variation 1716586 (VCV001716586.6), dbSNP rs2494592399, ClinGen allele CA379489484.